The following is an entry in ClinVar:

NM_001378120.1(MBD5):c.2633del (p.Pro878fs)

Gene: MBD5 (methyl-CpG binding domain protein 5; plus strand). Cytogenetic location: 2q23.1.
Variant type: Deletion.
Coding change: c.2633del on transcript NM_001378120.1 (MANE Select); coding-DNA position 2633, one base deleted (C; older notation c.2633delC).
Protein change: p.Pro878fs; shifts the reading frame from proline 878.
Molecular consequence: frameshift variant.
Genome position (GRCh38, 1-based): chr2:148,483,224, C deleted; the last of 3 consecutive C bases (chr2:148,483,222-148,483,224); deleting any one gives the same sequence. VCF-style (leftmost placement, unchanged base first): chr2-148483221-AC-A. GRCh37 (hg19) VCF-style: chr2-149240790-AC-A.
Other names: c.2633delC (NM_018328.4); c.2633del, p.Pro878fs (NM_018328.5); short protein forms P878fs.
Identifiers: ClinVar variation 468775 (VCV000468775.9), dbSNP rs1553519853, ClinGen allele CA658657066.

ClinVar aggregate classification (germline): Pathogenic (1 of 4 stars; one submission).

Conditions:
Intellectual developmental disorder, autosomal dominant 1. Also called: MBD5 Haploinsufficiency; Intellectual disability, autosomal dominant 1. Identifiers: Orphanet 228402, MedGen C1969562, MONDO:0007974, OMIM 156200.

Submission:

Labcorp Genetics (formerly Invitae), Labcorp
Classification: Pathogenic for Intellectual developmental disorder, autosomal dominant 1. Last evaluated: 2019-07-11. Review status: criteria provided, single submitter. Criteria: Invitae Variant Classification Sherloc (09022015). Collection method: clinical testing. Allele origin: germline.
Comment: For these reasons, this variant has been classified as Pathogenic. This sequence change creates a premature translational stop signal (p.Pro878Hisfs*37) in the MBD5 gene. It is expected to result in an absent or disrupted protein product. This variant is not present in population databases (ExAC no frequency). This variant has not been reported in the literature in individuals with MBD5-related conditions. ClinVar contains an entry for this variant (Variation ID: 468775). Loss-of-function variants in MBD5 are known to be pathogenic (PMID: 23422940, 23587880).

Literature cited by the submitters: PubMed 23422940; PubMed 23587880.